The following is an entry in ClinVar:

ClinVar aggregate classification (germline): Uncertain significance (1 of 4 stars; one submission).

Conditions:
Nephrolithiasis/nephrocalcinosis. Identifiers: MedGen CN580796.

Submission:

Ambry Genetics
Classification: Uncertain significance for Nephrolithiasis/nephrocalcinosis. Last evaluated: 2022-10-06. Review status: criteria provided, single submitter. Criteria: Ambry Variant Classification Scheme 2023. Collection method: clinical testing. Allele origin: germline.
Comment: The p.G571E variant (also known as c.1712G>A), located in coding exon 5 of the CASR gene, results from a G to A substitution at nucleotide position 1712. The glycine at codon 571 is replaced by glutamic acid, an amino acid with similar properties. This amino acid position is conserved. In addition, this alteration is predicted to be deleterious by in silico analysis. Since supporting evidence is limited at this time, the clinical significance of this alteration remains unclear.

NM_000388.4(CASR):c.1712G>A (p.Gly571Glu)

Gene: CASR (calcium sensing receptor; plus strand). Cytogenetic location: 3q21.1.
Variant type: single nucleotide variant.
Coding change: c.1712G>A on transcript NM_000388.4 (MANE Select); coding-DNA position 1712, G replaced by A.
Protein change: p.Gly571Glu; replaces glycine 571 with glutamic acid.
Molecular consequence: missense variant.
Genome position (GRCh38, 1-based): chr3:122,282,216, G>A. VCF-style: chr3-122282216-G-A. GRCh37 (hg19) VCF-style: chr3-122001063-G-A.
Other names: c.1742G>A, p.Gly581Glu (NM_001178065.2); short protein forms G571E, G581E.
Identifiers: ClinVar variation 1778590 (VCV001778590.2), dbSNP rs2473272955, ClinGen allele CA354156333.